The following is an entry in ClinVar:

ClinVar aggregate classification (germline): Likely pathogenic (1 of 4 stars; one submission).

Allele frequency attached by ClinVar (database versions not stated): gnomAD exomes below 0.00001.
gnomAD v4.1: 2 of 1,602,156 alleles (0.00012%); highest among the groups gnomAD compares: Non-Finnish European, 0.00017%; no homozygotes.

Submission:

Labcorp Genetics (formerly Invitae), Labcorp
Classification: Likely pathogenic. Last evaluated: 2023-08-16. Review status: criteria provided, single submitter. Criteria: Invitae Variant Classification Sherloc (09022015). Collection method: clinical testing. Allele origin: germline.
Comment: This variant is not present in population databases (gnomAD no frequency). This sequence change affects an acceptor splice site in intron 22 of the OTOF gene. It is expected to disrupt RNA splicing. Variants that disrupt the donor or acceptor splice site typically lead to a loss of protein function (PMID: 16199547), and loss-of-function variants in OTOF are known to be pathogenic (PMID: 18381613, 19250381, 22575033). This variant has not been reported in the literature in individuals affected with OTOF-related conditions. In summary, the currently available evidence indicates that the variant is pathogenic, but additional data are needed to prove that conclusively. Therefore, this variant has been classified as Likely Pathogenic. Algorithms developed to predict the effect of sequence changes on RNA splicing suggest that this variant may disrupt the consensus splice site.

Literature cited by the submitters: PubMed 16199547; PubMed 18381613; PubMed 19250381; PubMed 22575033.

NM_194248.3(OTOF):c.2677-1G>C

Gene: OTOF (otoferlin; minus strand). Cytogenetic location: 2p23.3.
Variant type: single nucleotide variant.
Coding change: c.2677-1G>C on transcript NM_194248.3 (MANE Select); the canonical splice acceptor site of the intron before coding-DNA position 2677, G replaced by C.
Molecular consequence: splice acceptor variant.
Genome position (GRCh38, 1-based): chr2:26,476,318, C>G on the plus strand (G>C on the coding strand, the complement: OTOF is on the minus strand). VCF-style: chr2-26476318-C-G. GRCh37 (hg19) VCF-style: chr2-26699186-C-G.
Other names: c.2677-1G>C (NM_001287489.2); c.436-1G>C (NM_194323.3, NM_004802.4); c.607-1G>C (NM_194322.3).
Identifiers: ClinVar variation 3005747 (VCV003005747.3), dbSNP rs2148048394, ClinGen allele CA346116959.